The following is an entry in ClinVar:

NM_001037132.4(NRCAM):c.2289G>A (p.Leu763=)

Gene: NRCAM (neuronal cell adhesion molecule; minus strand). Cytogenetic location: 7q31.1.
Variant type: single nucleotide variant.
Coding change: c.2289G>A on transcript NM_001037132.4 (MANE Select); coding-DNA position 2289, G replaced by A.
Protein change: p.Leu763=; no amino-acid change (leucine 763 retained).
Molecular consequence: synonymous variant. On other transcripts: non-coding transcript variant (5).
Genome position (GRCh38, 1-based): chr7:108,184,256, C>T on the plus strand (G>A on the coding strand, the complement: NRCAM is on the minus strand). VCF-style: chr7-108184256-C-T. GRCh37 (hg19) VCF-style: chr7-107824700-C-T.
Other names: c.2289G>A, p.Leu763= (NM_001193582.2, NM_001371123.1, NM_001371128.1 and 10 more transcripts); c.2232G>A, p.Leu744= (NM_001193583.2, NM_001193584.2, NM_001371119.1 and 22 more transcripts); c.1944G>A, p.Leu648= (NM_001371125.1, NM_001371142.1, NM_001371143.1 and 2 more transcripts); c.2286G>A, p.Leu762= (NM_001371127.1); c.2241G>A, p.Leu747= (NM_001371130.1, NM_001371133.1, NM_001371136.1 and 8 more transcripts); c.2238G>A, p.Leu746= (NM_001371134.1); c.1332G>A, p.Leu444= (NM_001371137.1); c.1971G>A, p.Leu657= (NM_001371148.1, NM_001371170.1, NM_001371179.1 and 1 more transcripts); and 3 more.
Identifiers: ClinVar variation 746922 (VCV000746922.5), dbSNP rs145997635, ClinGen allele CA4438637.

ClinVar aggregate classification (germline): Likely benign. Review status: criteria provided, single submitter (1 of 4 stars). 2 submissions from 2 submitters: Likely benign (1). 1 of the submissions does not count toward it. Last evaluated 2018-04-03.

Conditions:
NRCAM-related disorder.

Allele frequency attached by ClinVar (database versions not stated): ExAC 0.00036; ESP Exome Variant Server 0.00038; 1000 Genomes Project 0.00060; 1000 Genomes Project 30x 0.00062; TOPMed 0.00088; gnomAD 0.00056 and 0.00057.
gnomAD v4.1: 381 of 1,613,918 alleles (0.024%); highest among the groups gnomAD compares: African/African-American, 0.13%; 1 homozygote.

Submissions (2):

Labcorp Genetics (formerly Invitae), Labcorp
Classification: Likely benign. Last evaluated: 2018-04-03. Review status: criteria provided, single submitter. Criteria: Invitae Variant Classification Sherloc (09022015). Collection method: clinical testing. Allele origin: germline.

PreventionGenetics, part of Exact Sciences
Classification: Likely benign for NRCAM-related condition. Last evaluated: 2019-05-23. Review status: no assertion criteria provided. Collection method: clinical testing. Allele origin: germline. Not counted in ClinVar's aggregate classification.
Comment: This variant is classified as likely benign based on ACMG/AMP sequence variant interpretation guidelines (Richards et al. 2015 PMID: 25741868, with internal and published modifications).